The following is an entry in ClinVar:

NM_173354.5(SIK1):c.880G>A (p.Ala294Thr)

Gene: SIK1 (salt inducible kinase 1; minus strand). Cytogenetic location: 21q22.3.
Variant type: single nucleotide variant.
Coding change: c.880G>A on transcript NM_173354.5 (MANE Select); coding-DNA position 880, G replaced by A.
Protein change: p.Ala294Thr; replaces alanine 294 with threonine.
Molecular consequence: missense variant.
Genome position (GRCh38, 1-based): chr21:43,420,326, C>T on the plus strand (G>A on the coding strand, the complement: SIK1 is on the minus strand). VCF-style: chr21-43420326-C-T. GRCh37 (hg19) VCF-style: chr21-44840206-C-T.
Other names: c.880G>A (NM_173354.3); short protein forms A294T.
Identifiers: ClinVar variation 1558734 (VCV001558734.26), dbSNP rs776214001, ClinGen allele CA321326772.
Genomic context (GRCh38, chr21:43,420,326, plus strand): 5'-TCTGCATGATACCCAGCGCCTGCTCATCGTAGTCGCCCAGGTTGGAGGTGTAGCTGTGTG[C>T]GGAGAAGGCGGGGCAGGCGGGTCCCGGCAAGCAGGGCTCAGCCCGCATCCACCGGTGCTG-3'
Protein context (NP_775490.2, residues 284-304): LPGPACPAFS[Ala294Thr]HSYTSNLGDY

ClinVar aggregate classification (germline): Likely benign. Review status: criteria provided, multiple submitters, no conflicts (2 of 4 stars). 3 submissions from 3 submitters: Likely benign (3). Last evaluated 2025-11-24.

Conditions:
Inborn genetic diseases. Identifiers: MedGen C0950123, MeSH D030342.
Developmental and epileptic encephalopathy, 30 (DEE30). Also called: Epileptic encephalopathy, early infantile, 30. Identifiers: MedGen C4225360, MONDO:0014595, OMIM 616341.

Allele frequency attached by ClinVar (database versions not stated): ExAC 0.00004; gnomAD exomes 0.00005.

Submissions (3):

Labcorp Genetics (formerly Invitae), Labcorp
Classification: Likely benign for Developmental and epileptic encephalopathy, 30. Last evaluated: 2025-11-24. Review status: criteria provided, single submitter. Criteria: Invitae Variant Classification Sherloc (09022015). Collection method: clinical testing. Allele origin: germline.

CeGaT Center for Human Genetics Tuebingen
Classification: Likely benign. Last evaluated: 2025-08-01. Review status: criteria provided, single submitter. Criteria: CeGaT Center For Human Genetics Tuebingen Variant Classification Criteria Version 2. Collection method: clinical testing. Allele origin: germline. Affected: yes. Observed: 2 variant alleles.
Comment: SIK1: BP4

Ambry Genetics
Classification: Likely benign for Inborn genetic diseases. Last evaluated: 2023-11-08. Review status: criteria provided, single submitter. Criteria: Ambry Variant Classification Scheme 2023. Collection method: clinical testing. Allele origin: germline.